The following is an entry in ClinVar:

ClinVar aggregate classification (germline): Uncertain significance (1 of 4 stars; one submission).

Conditions:
Inosine triphosphatase deficiency. Also called: INOSINE TRIPHOSPHATE PYROPHOSPHOHYDROLASE DEFICIENCY. Identifiers: MedGen C0342800, MONDO:0013461, OMIM 613850.

Submission:

Labcorp Genetics (formerly Invitae), Labcorp
Classification: Uncertain significance for Inosine triphosphatase deficiency. Last evaluated: 2024-02-17. Review status: criteria provided, single submitter. Criteria: Invitae Variant Classification Sherloc (09022015). Collection method: clinical testing. Allele origin: germline.
Comment: This sequence change replaces lysine, which is basic and polar, with asparagine, which is neutral and polar, at codon 169 of the ITPA protein (p.Lys169Asn). This variant is not present in population databases (gnomAD no frequency). This variant has not been reported in the literature in individuals affected with ITPA-related conditions. ClinVar contains an entry for this variant (Variation ID: 2108826). An algorithm developed to predict the effect of missense changes on protein structure and function (PolyPhen-2) suggests that this variant is likely to be disruptive. In summary, the available evidence is currently insufficient to determine the role of this variant in disease. Therefore, it has been classified as a Variant of Uncertain Significance.

NM_033453.4(ITPA):c.507G>C (p.Lys169Asn)

Gene: ITPA (inosine triphosphatase; plus strand). Cytogenetic location: 20p13.
Variant type: single nucleotide variant.
Coding change: c.507G>C on transcript NM_033453.4 (MANE Select); coding-DNA position 507, G replaced by C.
Protein change: p.Lys169Asn; replaces lysine 169 with asparagine.
Molecular consequence: missense variant. On other transcripts: non-coding transcript variant (2), intron variant (1).
Genome position (GRCh38, 1-based): chr20:3,223,384, G>C. VCF-style: chr20-3223384-G-C. GRCh37 (hg19) VCF-style: chr20-3204030-G-C.
Other names: c.384G>C, p.Lys128Asn (NM_001267623.2); c.170G>C, p.Arg57Thr (NM_001324236.2, NM_001324237.2, NM_001324238.2 and 1 more transcripts); c.554G>C, p.Arg185Thr (NM_001424408.1); c.633G>C, p.Lys211Asn (NM_001424409.1); c.456G>C, p.Lys152Asn (NM_181493.4); c.412-3299G>C (NM_001324240.2); short protein forms K128N, K152N, K169N, R57T, K211N, R185T.
Identifiers: ClinVar variation 2108826 (VCV002108826.4), dbSNP rs2514489746, ClinGen allele CA408081581.